The following is an entry in ClinVar:

NM_004341.5(CAD):c.2032-3C>T

Gene: CAD (carbamoyl-phosphate synthetase 2, aspartate transcarbamylase, and dihydroorotase; plus strand). Cytogenetic location: 2p23.3.
Variant type: single nucleotide variant.
Coding change: c.2032-3C>T on transcript NM_004341.5 (MANE Select); 3 bases into the intron before coding-DNA position 2032, C replaced by T.
Molecular consequence: intron variant.
Genome position (GRCh38, 1-based): chr2:27,226,522, C>T. VCF-style: chr2-27226522-C-T. GRCh37 (hg19) VCF-style: chr2-27449390-C-T.
Other names: c.1843-3C>T (NM_001306079.2).
Identifiers: ClinVar variation 1354859 (VCV001354859.4), dbSNP rs2148067224, ClinGen allele CA2573134410.

ClinVar aggregate classification (germline): Uncertain significance. Review status: criteria provided, multiple submitters, no conflicts (2 of 4 stars). 2 submissions from 2 submitters: Uncertain significance (2). Last evaluated 2024-09-27.

Submissions (2):

Women's Health and Genetics/Laboratory Corporation of America, LabCorp
Classification: Uncertain significance. Last evaluated: 2024-09-27. Review status: criteria provided, single submitter. Criteria: LabCorp Variant Classification Summary - May 2015. Collection method: clinical testing. Allele origin: germline.
Comment: Variant summary: CAD c.2032-3C>T alters a conserved nucleotide located close to a canonical splice site and therefore could affect mRNA splicing, leading to a significantly altered protein sequence. Consensus agreement among computation tools predict no significant impact on normal splicing. However, these predictions have yet to be confirmed by functional studies. The variant allele was found at a frequency of 1.2e-06 in 1606972 control chromosomes in the gnomAD database (v4.1 dataset). The available data on variant occurrences in the general population are insufficient to allow any conclusion about variant significance. To our knowledge, no occurrence of c.2032-3C>T in individuals affected with Early Infantile Epileptic Encephalopathy, 50 and no experimental evidence demonstrating its impact on protein function have been reported. ClinVar contains an entry for this variant (Variation ID: 1354859). Based on the evidence outlined above, the variant was classified as uncertain significance.

Labcorp Genetics (formerly Invitae), Labcorp
Classification: Uncertain significance. Last evaluated: 2022-09-01. Review status: criteria provided, single submitter. Criteria: Invitae Variant Classification Sherloc (09022015). Collection method: clinical testing. Allele origin: germline.
Comment: This sequence change falls in intron 13 of the CAD gene. It does not directly change the encoded amino acid sequence of the CAD protein. It affects a nucleotide within the consensus splice site. This variant is not present in population databases (gnomAD no frequency). This variant has not been reported in the literature in individuals affected with CAD-related conditions. ClinVar contains an entry for this variant (Variation ID: 1354859). Variants that disrupt the consensus splice site are a relatively common cause of aberrant splicing (PMID: 17576681, 9536098). Algorithms developed to predict the effect of sequence changes on RNA splicing suggest that this variant is not likely to affect RNA splicing. In summary, the available evidence is currently insufficient to determine the role of this variant in disease. Therefore, it has been classified as a Variant of Uncertain Significance.

Literature cited by the submitters: PubMed 17576681 (cited by Labcorp Genetics (formerly Invitae), Labcorp); PubMed 9536098 (cited by Labcorp Genetics (formerly Invitae), Labcorp).